The following is an entry in ClinVar:

NM_207361.6(FREM2):c.8226C>T (p.Ala2742=)

Gene: FREM2 (FRAS1 related extracellular matrix 2; plus strand). Cytogenetic location: 13q13.3.
Variant type: single nucleotide variant.
Coding change: c.8226C>T on transcript NM_207361.6 (MANE Select); coding-DNA position 8226, C replaced by T.
Protein change: p.Ala2742=; no amino-acid change (alanine 2742 retained).
Molecular consequence: synonymous variant.
Genome position (GRCh38, 1-based): chr13:38,874,531, C>T. VCF-style: chr13-38874531-C-T. GRCh37 (hg19) VCF-style: chr13-39448668-C-T.
Other names: p.Ala2742=.
Identifiers: ClinVar variation 312027 (VCV000312027.18), dbSNP rs17058710, ClinGen allele CA6956084.

ClinVar aggregate classification (germline): Benign. Review status: criteria provided, multiple submitters, no conflicts (2 of 4 stars). 5 submissions from 5 submitters: Benign (4). 1 of the submissions does not count toward it. Last evaluated 2026-02-04.

Conditions:
FREM2-related disorder. Also called: FREM2-related condition.
Fraser syndrome 2 (FRASRS2). Identifiers: MedGen C4540036, MONDO:0054738, OMIM 617666.

Allele frequency attached by ClinVar (database versions not stated): gnomAD exomes 0.00510; ExAC 0.00619; gnomAD 0.02011 and 0.02172; ESP Exome Variant Server 0.02153; 1000 Genomes Project 0.02157; TOPMed 0.02161; 1000 Genomes Project 30x 0.02358.
gnomAD v4.1: 5,944 of 1,614,074 alleles (0.37%); highest among the groups gnomAD compares: African/African-American, 6.8%; 189 homozygotes.

Submissions (5):

Labcorp Genetics (formerly Invitae), Labcorp
Classification: Benign. Last evaluated: 2026-02-04. Review status: criteria provided, single submitter. Criteria: Invitae Variant Classification Sherloc (09022015). Collection method: clinical testing. Allele origin: germline.

Mayo Clinic Laboratories, Mayo Clinic
Classification: Benign. Last evaluated: 2023-04-10. Review status: criteria provided, single submitter. Criteria: ACMG Guidelines, 2015. Collection method: clinical testing. Allele origin: germline. Observed: 1 variant allele.

Illumina Laboratory Services, Illumina
Classification: Benign for Fraser syndrome 2. Last evaluated: 2018-01-13. Review status: criteria provided, single submitter. Criteria: ICSL Variant Classification Criteria 13 December 2019. Collection method: clinical testing. Allele origin: germline.
Comment: This variant was observed in the ICSL laboratory as part of a predisposition screen in an ostensibly healthy population. It had not been previously curated by ICSL or reported in the Human Gene Mutation Database (HGMD: prior to June 1st, 2018), and was therefore a candidate for classification through an automated scoring system. Utilizing variant allele frequency, disease prevalence and penetrance estimates, and inheritance mode, an automated score was calculated to assess if this variant is too frequent to cause the disease. Based on the score and internal cut-off values, a variant classified as benign is not then subjected to further curation. The score for this variant resulted in a classification of benign for this disease.

Breakthrough Genomics
Classification: Benign. Review status: criteria provided, single submitter. Criteria: ACMG Guidelines, 2015. Collection method: not provided. Allele origin: germline. Inheritance: Autosomal recessive inheritance. Affected: yes.

PreventionGenetics, part of Exact Sciences
Classification: Benign for FREM2-related condition. Last evaluated: 2019-04-30. Review status: no assertion criteria provided. Collection method: clinical testing. Allele origin: germline. Not counted in ClinVar's aggregate classification.
Comment: This variant is classified as benign based on ACMG/AMP sequence variant interpretation guidelines (Richards et al. 2015 PMID: 25741868, with internal and published modifications).